The following is an entry in ClinVar:

NM_005045.4(RELN):c.2584A>G (p.Thr862Ala)

Gene: RELN (reelin; minus strand). Cytogenetic location: 7q22.1.
Variant type: single nucleotide variant.
Coding change: c.2584A>G on transcript NM_005045.4 (MANE Select); coding-DNA position 2584, A replaced by G.
Protein change: p.Thr862Ala; replaces threonine 862 with alanine.
Molecular consequence: missense variant.
Genome position (GRCh38, 1-based): chr7:103,630,058, T>C on the plus strand (A>G on the coding strand, the complement: RELN is on the minus strand). VCF-style: chr7-103630058-T-C. GRCh37 (hg19) VCF-style: chr7-103270505-T-C.
Other names: c.2584A>G, p.Thr862Ala (NM_173054.3); short protein forms T862A.
Identifiers: ClinVar variation 1426746 (VCV001426746.6), dbSNP rs1832417485, ClinGen allele CA368758502.

ClinVar aggregate classification (germline): Uncertain significance (1 of 4 stars; one submission).

Conditions:
Norman-Roberts syndrome (LIS2). Also called: Lissencephaly 2 (Norman-Roberts type). Identifiers: Orphanet 89844, MedGen C0796089, MONDO:0009760, OMIM 257320.
Familial temporal lobe epilepsy 7. Identifiers: Orphanet 101046, MedGen C4225327, MONDO:0014639, OMIM 616436.

Allele frequency attached by ClinVar (database versions not stated): TOPMed below 0.00001.

Submission:

Labcorp Genetics (formerly Invitae), Labcorp
Classification: Uncertain significance for Familial temporal lobe epilepsy 7; Norman-Roberts syndrome. Last evaluated: 2025-06-15. Review status: criteria provided, single submitter. Criteria: Invitae Variant Classification Sherloc (09022015). Collection method: clinical testing. Allele origin: germline.
Comment: This sequence change replaces threonine, which is neutral and polar, with alanine, which is neutral and non-polar, at codon 862 of the RELN protein (p.Thr862Ala). This variant is not present in population databases (gnomAD no frequency). This variant has not been reported in the literature in individuals affected with RELN-related conditions. ClinVar contains an entry for this variant (Variation ID: 1426746). Invitae Evidence Modeling of protein sequence and biophysical properties (such as structural, functional, and spatial information, amino acid conservation, physicochemical variation, residue mobility, and thermodynamic stability) indicates that this missense variant is not expected to disrupt RELN protein function with a negative predictive value of 80%. In summary, the available evidence is currently insufficient to determine the role of this variant in disease. Therefore, it has been classified as a Variant of Uncertain Significance.